The following is an entry in ClinVar:

ClinVar aggregate classification (germline): Uncertain significance (1 of 4 stars; one submission).

Allele frequency attached by ClinVar (database versions not stated): gnomAD exomes below 0.00001; ExAC 0.00001; gnomAD 0.00001; 1000 Genomes Project 30x 0.00016; 1000 Genomes Project 0.00020.
gnomAD v4.1: 4 of 1,613,862 alleles (0.00025%); highest among the groups gnomAD compares: South Asian, 0.0033%; no homozygotes.

Submission:

Labcorp Genetics (formerly Invitae), Labcorp
Classification: Uncertain significance. Last evaluated: 2022-04-12. Review status: criteria provided, single submitter. Criteria: Invitae Variant Classification Sherloc (09022015). Collection method: clinical testing. Allele origin: germline.
Comment: This variant is present in population databases (rs565154999, gnomAD 0.006%). In summary, the available evidence is currently insufficient to determine the role of this variant in disease. Therefore, it has been classified as a Variant of Uncertain Significance. Algorithms developed to predict the effect of missense changes on protein structure and function are either unavailable or do not agree on the potential impact of this missense change (SIFT: "Deleterious"; PolyPhen-2: "Possibly Damaging"; Align-GVGD: "Class C0"). This variant has not been reported in the literature in individuals affected with RGS9-related conditions. This sequence change replaces arginine, which is basic and polar, with threonine, which is neutral and polar, at codon 238 of the RGS9 protein (p.Arg238Thr).

NM_003835.4(RGS9):c.713G>C (p.Arg238Thr)

Gene: RGS9 (regulator of G protein signaling 9; plus strand). Cytogenetic location: 17q24.1.
Variant type: single nucleotide variant.
Coding change: c.713G>C on transcript NM_003835.4 (MANE Select); coding-DNA position 713, G replaced by C.
Protein change: p.Arg238Thr; replaces arginine 238 with threonine.
Molecular consequence: missense variant.
Genome position (GRCh38, 1-based): chr17:65,190,203, G>C. VCF-style: chr17-65190203-G-C. GRCh37 (hg19) VCF-style: chr17-63186321-G-C.
Other names: c.704G>C, p.Arg235Thr (NM_001081955.3, NM_001165933.2); short protein forms R238T, R235T.
Identifiers: ClinVar variation 2125632 (VCV002125632.4), dbSNP rs565154999, ClinGen allele CA8717811.